The following is an entry in ClinVar:

ClinVar aggregate classification (germline): Uncertain significance. Review status: criteria provided, multiple submitters, no conflicts (2 of 4 stars). 2 submissions from 2 submitters: Uncertain significance (2). Last evaluated 2025-01-05.

Conditions:
Inborn genetic diseases. Identifiers: MedGen C0950123, MeSH D030342.
Mosaic variegated aneuploidy syndrome 2 (MVA2). Identifiers: Orphanet 1052, MedGen C3279843, MONDO:0013582, OMIM 614114.

Allele frequency attached by ClinVar (database versions not stated): gnomAD exomes below 0.00001 and 0.00001; TOPMed below 0.00001; ExAC 0.00001.
gnomAD v4.1: 6 of 1,609,522 alleles (0.00037%); highest among the groups gnomAD compares: Non-Finnish European, 0.00051%; no homozygotes.

Submissions (2):

Ambry Genetics
Classification: Uncertain significance for Inborn genetic diseases. Last evaluated: 2025-01-05. Review status: criteria provided, single submitter. Criteria: Ambry Variant Classification Scheme 2023. Collection method: clinical testing. Allele origin: germline.
Comment: The p.D499G variant (also known as c.1496A>G), located in coding exon 11 of the CEP57 gene, results from an A to G substitution at nucleotide position 1496. The aspartic acid at codon 499 is replaced by glycine, an amino acid with similar properties. This amino acid position is conserved. In addition, this alteration is predicted to be tolerated by in silico analysis. Based on the available evidence, the clinical significance of this variant remains unclear.

Labcorp Genetics (formerly Invitae), Labcorp
Classification: Uncertain significance for Mosaic variegated aneuploidy syndrome 2. Last evaluated: 2023-09-01. Review status: criteria provided, single submitter. Criteria: Invitae Variant Classification Sherloc (09022015). Collection method: clinical testing. Allele origin: germline.
Comment: In summary, the available evidence is currently insufficient to determine the role of this variant in disease. Therefore, it has been classified as a Variant of Uncertain Significance. An algorithm developed to predict the effect of missense changes on protein structure and function (PolyPhen-2) suggests that this variant is likely to be tolerated. ClinVar contains an entry for this variant (Variation ID: 964350). This variant has not been reported in the literature in individuals affected with CEP57-related conditions. This variant is present in population databases (rs778341440, gnomAD 0.002%). This sequence change replaces aspartic acid, which is acidic and polar, with glycine, which is neutral and non-polar, at codon 499 of the CEP57 protein (p.Asp499Gly).

NM_014679.5(CEP57):c.1496A>G (p.Asp499Gly)

Gene: CEP57 (centrosomal protein 57; plus strand). Cytogenetic location: 11q21.
Variant type: single nucleotide variant.
Coding change: c.1496A>G on transcript NM_014679.5 (MANE Select); coding-DNA position 1496, A replaced by G.
Protein change: p.Asp499Gly; replaces aspartic acid 499 with glycine.
Molecular consequence: missense variant.
Genome position (GRCh38, 1-based): chr11:95,831,249, A>G. VCF-style: chr11-95831249-A-G. GRCh37 (hg19) VCF-style: chr11-95564413-A-G.
Other names: c.1469A>G, p.Asp490Gly (NM_001243776.2); c.1418A>G, p.Asp473Gly (NM_001243777.2); c.1415A>G, p.Asp472Gly (NM_001363604.2); short protein forms D490G, D499G, D473G, D472G.
Identifiers: ClinVar variation 964350 (VCV000964350.10), dbSNP rs778341440, ClinGen allele CA6239798.